The following is an entry in ClinVar:

ClinVar aggregate classification (germline): Benign/Likely benign. Review status: criteria provided, multiple submitters, no conflicts (2 of 4 stars). 7 submissions from 7 submitters: Benign (4); Likely benign (1). 2 of the submissions do not count toward it. Last evaluated 2026-01-27.

Allele frequency attached by ClinVar (database versions not stated): 1000 Genomes Project 0.00240; 1000 Genomes Project 30x 0.00250; TOPMed 0.00882; ESP Exome Variant Server 0.00942.
gnomAD v4.1: 20,103 of 1,550,464 alleles (1.3%); highest among the groups gnomAD compares: Non-Finnish European, 1.6%; 192 homozygotes.

Submissions (7):

Labcorp Genetics (formerly Invitae), Labcorp
Classification: Benign. Last evaluated: 2026-01-27. Review status: criteria provided, single submitter. Criteria: Invitae Variant Classification Sherloc (09022015). Collection method: clinical testing. Allele origin: germline.

ARUP Laboratories, Molecular Genetics and Genomics, ARUP Laboratories
Classification: Benign. Last evaluated: 2025-04-09. Review status: criteria provided, single submitter. Criteria: ARUP Molecular Germline Variant Investigation Process 2024. Collection method: clinical testing. Allele origin: germline.

Mayo Clinic Laboratories, Mayo Clinic
Classification: Likely benign. Last evaluated: 2025-01-03. Review status: criteria provided, single submitter. Criteria: ACMG Guidelines, 2015. Collection method: clinical testing. Allele origin: germline. Observed: 49 variant alleles.
Comment: BS1, BP4, BP7

CeGaT Center for Human Genetics Tuebingen
Classification: Benign. Last evaluated: 2023-03-01. Review status: criteria provided, single submitter. Criteria: CeGaT Center For Human Genetics Tuebingen Variant Classification Criteria Version 2. Collection method: clinical testing. Allele origin: germline. Affected: yes. Observed: 4 variant alleles.
Comment: PIEZO1: BP4, BP7, BS1, BS2

Breakthrough Genomics
Classification: Benign. Review status: criteria provided, single submitter. Criteria: ACMG Guidelines, 2015. Collection method: not provided. Allele origin: germline. Inheritance: Autosomal recessive inheritance. Affected: yes.

Clinical Genetics, Academic Medical Center
Classification: Benign. Review status: no assertion criteria provided. Collection method: clinical testing. Allele origin: germline. Affected: yes. Study: VKGL Data-share Consensus. Not counted in ClinVar's aggregate classification.

Laboratory of Diagnostic Genome Analysis, Leiden University Medical Center (LUMC)
Classification: Benign. Review status: no assertion criteria provided. Collection method: clinical testing. Allele origin: germline. Affected: yes. Study: VKGL Data-share Consensus. Not counted in ClinVar's aggregate classification.

NM_001142864.4(PIEZO1):c.6651C>A (p.Gly2217=)

Gene: PIEZO1 (piezo type mechanosensitive ion channel component 1 (Er blood group); minus strand). Cytogenetic location: 16q24.3.
Variant type: single nucleotide variant.
Coding change: c.6651C>A on transcript NM_001142864.4 (MANE Select); coding-DNA position 6651, C replaced by A.
Protein change: p.Gly2217=; no amino-acid change (glycine 2217 retained).
Molecular consequence: synonymous variant.
Genome position (GRCh38, 1-based): chr16:88,717,032, G>T on the plus strand (C>A on the coding strand, the complement: PIEZO1 is on the minus strand). VCF-style: chr16-88717032-G-T. GRCh37 (hg19) VCF-style: chr16-88783440-G-T.
Other names: p.Gly2217=.
Identifiers: ClinVar variation 782151 (VCV000782151.52), dbSNP rs117669855, ClinGen allele CA8231539.